The following is an entry in ClinVar:

ClinVar aggregate classification (germline): Uncertain significance (1 of 4 stars; one submission).

Conditions:
Mendelian susceptibility to mycobacterial diseases due to complete IL12RB1 deficiency. Also called: IL12RB1 DEFICIENCY; Immunodeficiency 30. Identifiers: Orphanet 319552, MedGen C4013949, MONDO:0013955, OMIM 614891.

gnomAD v4.1: 1 of 1,597,402 alleles (0.000063%); highest among the groups gnomAD compares: Non-Finnish European, 0.000086%; no homozygotes.

Submission:

Labcorp Genetics (formerly Invitae), Labcorp
Classification: Uncertain significance for Mendelian susceptibility to mycobacterial diseases due to complete IL12RB1 deficiency. Last evaluated: 2023-12-01. Review status: criteria provided, single submitter. Criteria: Invitae Variant Classification Sherloc (09022015). Collection method: clinical testing. Allele origin: germline.
Comment: This sequence change falls in intron 13 of the IL12RB1 gene. It does not directly change the encoded amino acid sequence of the IL12RB1 protein. This variant is not present in population databases (gnomAD no frequency). This variant has not been reported in the literature in individuals affected with IL12RB1-related conditions. Algorithms developed to predict the effect of sequence changes on RNA splicing suggest that this variant may disrupt the consensus splice site. In summary, the available evidence is currently insufficient to determine the role of this variant in disease. Therefore, it has been classified as a Variant of Uncertain Significance.

NM_005535.3(IL12RB1):c.1619-5C>G

Gene: IL12RB1 (interleukin 12 receptor subunit beta 1; minus strand). Cytogenetic location: 19p13.11.
Variant type: single nucleotide variant.
Coding change: c.1619-5C>G on transcript NM_005535.3 (MANE Select); 5 bases into the intron before coding-DNA position 1619, C replaced by G.
Molecular consequence: intron variant.
Genome position (GRCh38, 1-based): chr19:18,062,282, G>C on the plus strand (C>G on the coding strand, the complement: IL12RB1 is on the minus strand). VCF-style: chr19-18062282-G-C. GRCh37 (hg19) VCF-style: chr19-18173092-G-C.
Other names: c.1739-5C>G (NM_001290024.2); c.1619-5C>G (NM_001290023.2); c.1640-5C>G (NM_001440425.1, NM_001440424.1).
Identifiers: ClinVar variation 2762541 (VCV002762541.3), dbSNP rs2514888504, ClinGen allele CA2583509151.
Genomic context (GRCh38, chr19:18,062,282, plus strand): 5'-GCTCAGGAAGCTCCCCAGGGAGGCGAAGAAGATGAGCCAATCAGAAACCTGCACTTCTGA[G>C]GTGGGAGAGCGTGGGTTGGCAGAGGGCTACCTCCTGCCTCTTCCTCAGGGAAGGAGCTAG-3'